The following is an entry in ClinVar:

ClinVar aggregate classification (germline): Conflicting classifications of pathogenicity. Review status: criteria provided, conflicting classifications (1 of 4 stars). 8 submissions from 8 submitters: Pathogenic (1); Likely pathogenic (4); Uncertain significance (2). 1 of the submissions does not count toward it. Last evaluated 2026-02-25.

Conditions:
Finnish congenital nephrotic syndrome (NPHS1). Also called: NEPHROTIC SYNDROME, TYPE 1. Identifiers: Orphanet 839, MedGen C0403399, MONDO:0009732, OMIM 256300.

Allele frequency attached by ClinVar (database versions not stated): gnomAD 0.00001; ExAC 0.00002; TOPMed 0.00002; 1000 Genomes Project 30x 0.00016; 1000 Genomes Project 0.00020.
gnomAD v4.1: 13 of 1,613,348 alleles (0.00081%); highest among the groups gnomAD compares: East Asian, 0.027%; no homozygotes.

Submissions (8):

Myriad Genetics, Inc.
Classification: Likely pathogenic for Finnish congenital nephrotic syndrome. Last evaluated: 2026-02-25. Review status: criteria provided, single submitter. Criteria: Myriad Autosomal Dominant, Autosomal Recessive and X-Linked Classification Criteria (2023). Collection method: clinical testing. Allele origin: unknown.
Comment: NM_004646.3(NPHS1):c.616C>A(P206T) is a missense variant classified as likely pathogenic in the context of nephrotic syndrome, NPHS1-related. P206T has been observed in cases with relevant disease (PMID: 34859019, 38322629, 2025_Zhang_(Article)). Relevant functional assessments of this variant are not available in the literature. P206T has been observed in referenced population frequency databases. In summary, NM_004646.3(NPHS1):c.616C>A(P206T) is a missense variant that has been observed more frequently in cases with the relevant disease than in healthy populations. Please note: this variant was assessed in the context of healthy population screening.

Medical and Scientific Branch, Hong Kong Genome Institute
Classification: Uncertain significance for Finnish congenital nephrotic syndrome. Last evaluated: 2026-01-26. Review status: criteria provided, single submitter. Criteria: ACMG Guidelines, 2015. Collection method: clinical testing. Allele origin: paternal. Affected: yes.

Labcorp Genetics (formerly Invitae), Labcorp
Classification: Pathogenic. Last evaluated: 2025-12-13. Review status: criteria provided, single submitter. Criteria: Invitae Variant Classification Sherloc (09022015). Collection method: clinical testing. Allele origin: germline.
Comment: This sequence change replaces proline, which is neutral and non-polar, with threonine, which is neutral and polar, at codon 206 of the NPHS1 protein (p.Pro206Thr). This variant is present in population databases (rs201822740, gnomAD 0.05%). This missense change has been observed in individuals with nephrotic syndrome (PMID: 31328266, 34859019). ClinVar contains an entry for this variant (Variation ID: 2677289). Invitae Evidence Modeling of protein sequence and biophysical properties (such as structural, functional, and spatial information, amino acid conservation, physicochemical variation, residue mobility, and thermodynamic stability) indicates that this missense variant is expected to disrupt NPHS1 protein function with a positive predictive value of 80%. For these reasons, this variant has been classified as Pathogenic.

Natera, Inc.
Classification: Likely pathogenic for Finnish congenital nephrotic syndrome. Last evaluated: 2025-09-25. Review status: criteria provided, single submitter. Criteria: Natera Variant Classification Schema (03/2026). Collection method: clinical testing. Allele origin: germline.
Comment: The c.616C>A variant in NPHS1 is a missense variant predicted to cause substitution of proline to threonine at amino acid 206. This variant is rare in the general population with a frequency below the threshold expected for the associated phenotype(s). This variant has been observed in one or more individuals affected with the associated recessive disease, as either homozygous or compound heterozygous with a second variant (PMID: 38322629, 34859019). Computational prediction algorithms indicate this variant is likely to affect gene or protein function. Given the available evidence, this variant is classified as Likely Pathogenic.

Fulgent Genetics
Classification: Likely pathogenic for Finnish congenital nephrotic syndrome. Last evaluated: 2024-02-17. Review status: criteria provided, single submitter. Criteria: ACMG Guidelines, 2015. Collection method: clinical testing. Allele origin: germline.

GeneDx
Classification: Uncertain significance. Last evaluated: 2023-08-15. Review status: criteria provided, single submitter. Criteria: GeneDx Variant Classification Process June 2021. Collection method: clinical testing. Allele origin: germline. Affected: yes.
Comment: In silico analysis supports that this missense variant has a deleterious effect on protein structure/function; This variant is associated with the following publications: (PMID: 31216994, 34859019, 31328266)

Juno Genomics, Hangzhou Juno Genomics, Inc
Classification: Likely pathogenic for Finnish congenital nephrotic syndrome. Review status: criteria provided, single submitter. Criteria: ACMG Guidelines, 2015. Collection method: clinical testing. Allele origin: germline. Affected: yes.
Comment: Absent from controls (or at extremely low frequency if recessive) in Genome Aggregation Database.;For recessive disorders, detected in trans with a pathogenic variant.;Patient's phenotype or family history is highly specific for a disease with a single genetic etiology.

Department of Reproductive Genetics, International Peace Maternity and Child Health Hospital, Shanghai Jiao Tong University School of Medicine
Classification: Likely pathogenic for Nephrotic syndrome, type 1. Last evaluated: 2025-05-01. Review status: no assertion criteria provided. Collection method: clinical testing. Allele origin: inherited. Affected: yes. Not counted in ClinVar's aggregate classification.
Comment: The NM_004646.4(NPHS1):c.616C>A(p.Pro206Thr) variant causes a missense change. The variant allele was found at a frequency of 0.00000806 in 1,613,348 control chromosomes in the GnomAD database, with no homozygous occurrence. In-silico tool predicts a pathogenic outcome for this variant. This variant has been reported in the literature in multiple patients (PMID:38322629,34859019,31216994).

Literature cited by the submitters: PubMed 31328266 (cited by Labcorp Genetics (formerly Invitae), Labcorp); PubMed 34859019 (cited by 3 submitters); PubMed 38322629 (cited by Natera, Inc. and Department of Reproductive Genetics, International Peace Maternity and Child Health Hospital, Shanghai Jiao Tong University School of Medicine); PubMed 31216994 (cited by Department of Reproductive Genetics, International Peace Maternity and Child Health Hospital, Shanghai Jiao Tong University School of Medicine).

NM_004646.4(NPHS1):c.616C>A (p.Pro206Thr)

Gene: NPHS1 (NPHS1 adhesion molecule, nephrin; minus strand). Cytogenetic location: 19q13.12.
Variant type: single nucleotide variant.
Coding change: c.616C>A on transcript NM_004646.4 (MANE Select); coding-DNA position 616, C replaced by A.
Protein change: p.Pro206Thr; replaces proline 206 with threonine.
Molecular consequence: missense variant.
Genome position (GRCh38, 1-based): chr19:35,849,646, G>T on the plus strand (C>A on the coding strand, the complement: NPHS1 is on the minus strand). VCF-style: chr19-35849646-G-T. GRCh37 (hg19) VCF-style: chr19-36340548-G-T.
Other names: short protein forms P206T.
Identifiers: ClinVar variation 2677289 (VCV002677289.13), dbSNP rs201822740, ClinGen allele CA9390718.